The following is an entry in ClinVar:

ClinVar aggregate classification (germline): Pathogenic (1 of 4 stars; one submission).

Conditions:
Hereditary cancer-predisposing syndrome. Also called: Neoplastic Syndromes, Hereditary; Tumor predisposition; Hereditary neoplastic syndrome; Hereditary Cancer Syndrome. Identifiers: Orphanet 140162, MedGen C0027672, MeSH D009386, MONDO:0015356.

Submission:

Ambry Genetics
Classification: Pathogenic for Hereditary cancer-predisposing syndrome. Last evaluated: 2025-08-26. Review status: criteria provided, single submitter. Criteria: Ambry Variant Classification Scheme 2023. Collection method: clinical testing. Allele origin: germline.
Comment: The c.6012delT pathogenic mutation, located in coding exon 40 of the ATM gene, results from a deletion of one nucleotide at nucleotide position 6012, causing a translational frameshift with a predicted alternate stop codon (p.L2005Sfs*2). This variant is considered to be rare based on population cohorts in the Genome Aggregation Database (gnomAD). This alteration is expected to result in loss of function by premature protein truncation or nonsense-mediated mRNA decay. As such, this alteration is interpreted as a disease-causing mutation.

NM_000051.4(ATM):c.6012del (p.Leu2005fs)

Genes: ATM (ATM serine/threonine kinase; plus strand), C11orf65 (chromosome 11 open reading frame 65; minus strand). Cytogenetic location: 11q22.3.
Variant type: Deletion.
Coding change: c.6012del on transcript NM_000051.4 (MANE Select); coding-DNA position 6012, one base deleted (T; older notation c.6012delT).
Protein change: p.Leu2005fs; shifts the reading frame from leucine 2005.
Molecular consequence: frameshift variant. On other transcripts: intron variant (2).
Genome position (GRCh38, 1-based): chr11:108,315,828, T deleted; the last of 2 consecutive T bases (chr11:108,315,827-108,315,828); deleting either gives the same sequence. VCF-style (leftmost placement, unchanged base first): chr11-108315826-CT-C. GRCh37 (hg19) VCF-style: chr11-108186553-CT-C.
Other names: c.6012del, p.Leu2005fs (NM_001351834.2); c.641-6756del (NM_001330368.2); c.*39-6756del (NM_001351110.2); short protein forms L2005fs.
Identifiers: ClinVar variation 4170004 (VCV004170004.1).